The following is an entry in ClinVar:

NM_004260.4(RECQL4):c.3358G>A (p.Glu1120Lys)

Gene: RECQL4 (RecQ like helicase 4; minus strand). Cytogenetic location: 8q24.3.
Variant type: single nucleotide variant.
Coding change: c.3358G>A on transcript NM_004260.4 (MANE Select); coding-DNA position 3358, G replaced by A.
Protein change: p.Glu1120Lys; replaces glutamic acid 1120 with lysine.
Molecular consequence: missense variant.
Genome position (GRCh38, 1-based): chr8:144,511,946, C>T on the plus strand (G>A on the coding strand, the complement: RECQL4 is on the minus strand). VCF-style: chr8-144511946-C-T. GRCh37 (hg19) VCF-style: chr8-145737329-C-T.
Other names: short protein forms E1120K.
Identifiers: ClinVar variation 573280 (VCV000573280.12), dbSNP rs776023102, ClinGen allele CA4947805.

ClinVar aggregate classification (germline): Uncertain significance. Review status: criteria provided, multiple submitters, no conflicts (2 of 4 stars). 4 submissions from 4 submitters: Uncertain significance (4). Last evaluated 2026-03-07.

Conditions:
Baller-Gerold syndrome (BGS). Also called: CRANIOSYNOSTOSIS WITH RADIAL DEFECTS. Identifiers: Orphanet 1225, MedGen C0265308, MONDO:0009039, OMIM 218600.
RECQL4-related disorder. Also called: RECQL4-related disorders; RECQL4-related condition.
Rapadilino syndrome. Identifiers: Orphanet 3021, MedGen C1849453, MONDO:0009955, OMIM 266280.
Rothmund-Thomson syndrome (RTS). Also called: Poikiloderma Congenitale; Poikiloderma of Rothmund-Thomson. Identifiers: Orphanet 2909, MedGen C0032339, MONDO:0010002.

Allele frequency attached by ClinVar (database versions not stated): ExAC 0.00001; gnomAD 0.00005 and 0.00006; TOPMed 0.00005; gnomAD exomes 0.00007.
gnomAD v4.1: 106 of 1,611,410 alleles (0.0066%); highest among the groups gnomAD compares: Non-Finnish European, 0.0086%; no homozygotes.

Submissions (4):

PreventionGenetics, part of Exact Sciences
Classification: Uncertain significance for RECQL4-related condition. Last evaluated: 2026-03-07. Review status: criteria provided, single submitter. Criteria: ACMG Guidelines, 2015. Collection method: clinical testing. Allele origin: germline.
Comment: The RECQL4 c.3358G>A variant is predicted to result in the amino acid substitution p.Glu1120Lys. To our knowledge, this variant has not been reported in the literature. This variant is reported in 0.0033% of alleles in individuals of South Asian descent in gnomAD. At this time, the clinical significance of this variant is uncertain due to the absence of conclusive functional and genetic evidence.

Labcorp Genetics (formerly Invitae), Labcorp
Classification: Uncertain significance for Baller-Gerold syndrome. Last evaluated: 2026-01-10. Review status: criteria provided, single submitter. Criteria: Invitae Variant Classification Sherloc (09022015). Collection method: clinical testing. Allele origin: germline.
Comment: This sequence change replaces glutamic acid, which is acidic and polar, with lysine, which is basic and polar, at codon 1120 of the RECQL4 protein (p.Glu1120Lys). This variant is present in population databases (rs776023102, gnomAD 0.003%). This variant has not been reported in the literature in individuals affected with RECQL4-related conditions. ClinVar contains an entry for this variant (Variation ID: 573280). Experimental studies and prediction algorithms are not available or were not evaluated, and the functional significance of this variant is currently unknown. In summary, the available evidence is currently insufficient to determine the role of this variant in disease. Therefore, it has been classified as a Variant of Uncertain Significance.

Blueprint Genetics
Classification: Uncertain significance. Last evaluated: 2020-04-15. Review status: criteria provided, single submitter. Criteria: ACMG Guidelines, 2015. Collection method: clinical testing. Allele origin: germline.

Fulgent Genetics
Classification: Uncertain significance for Baller-Gerold syndrome; Rapadilino syndrome; Rothmund-Thomson syndrome type 2. Last evaluated: 2018-10-31. Review status: criteria provided, single submitter. Criteria: ACMG Guidelines, 2015. Collection method: clinical testing. Allele origin: unknown.